The following is an entry in ClinVar:

NM_004415.4(DSP):c.377G>A (p.Arg126Lys)

Gene: DSP (desmoplakin; plus strand). Cytogenetic location: 6p24.3.
Variant type: single nucleotide variant.
Coding change: c.377G>A on transcript NM_004415.4 (MANE Select); coding-DNA position 377, G replaced by A.
Protein change: p.Arg126Lys; replaces arginine 126 with lysine.
Molecular consequence: missense variant.
Genome position (GRCh38, 1-based): chr6:7,558,219, G>A. VCF-style: chr6-7558219-G-A. GRCh37 (hg19) VCF-style: chr6-7558452-G-A.
Other names: c.377G>A, p.Arg126Lys (NM_001008844.3, NM_001319034.2, NM_001406591.1); short protein forms R126K.
Identifiers: ClinVar variation 4793672 (VCV004793672.1).

ClinVar aggregate classification (germline): Uncertain significance (1 of 4 stars; one submission).

Conditions:
Arrhythmogenic right ventricular dysplasia 8 (ARVD8). Also called: Arrhythmogenic Right Ventricular Dysplasia/Cardiomyopathy 8; ARRHYTHMOGENIC RIGHT VENTRICULAR DYSPLASIA, FAMILIAL, 8; ARRHYTHMOGENIC RIGHT VENTRICULAR CARDIOMYOPATHY 8. Identifiers: MedGen C1843896, MONDO:0011831, OMIM 607450.
Arrhythmogenic cardiomyopathy with wooly hair and keratoderma. Also called: PALMOPLANTAR KERATODERMA WITH LEFT VENTRICULAR CARDIOMYOPATHY AND WOOLLY HAIR; Dilated cardiomyopathy with woolly hair and keratoderma; Arrhythmogenic cardiomyopathy with woolly hair and keratoderma; Carvajal syndrome. Identifiers: Orphanet 65282, MedGen C1854063, MONDO:0011581, OMIM 605676.

Submission:

Labcorp Genetics (formerly Invitae), Labcorp
Classification: Uncertain significance for Arrhythmogenic cardiomyopathy with wooly hair and keratoderma; Arrhythmogenic right ventricular dysplasia 8. Last evaluated: 2025-11-10. Review status: criteria provided, single submitter. Criteria: Invitae Variant Classification Sherloc (09022015). Collection method: clinical testing. Allele origin: germline.
Comment: This sequence change replaces arginine, which is basic and polar, with lysine, which is basic and polar, at codon 126 of the DSP protein (p.Arg126Lys). This variant is present in population databases (no rsID available, gnomAD 0.0009%). This variant has not been reported in the literature in individuals affected with DSP-related conditions. An algorithm developed to predict the effect of missense changes on protein structure and function (PolyPhen-2) suggests that this variant is likely to be tolerated. In summary, the available evidence is currently insufficient to determine the role of this variant in disease. Therefore, it has been classified as a Variant of Uncertain Significance.